The following is an entry in ClinVar:

ClinVar aggregate classification (germline): Uncertain significance. Review status: criteria provided, multiple submitters, no conflicts (2 of 4 stars). 2 submissions from 2 submitters: Uncertain significance (2). Last evaluated 2025-03-27.

Allele frequency attached by ClinVar (database versions not stated): ExAC 0.00004.
gnomAD v4.1: 37 of 1,607,758 alleles (0.0023%); highest among the groups gnomAD compares: African/African-American, 0.0067%; no homozygotes.

Submissions (2):

Ambry Genetics
Classification: Uncertain significance. Last evaluated: 2025-03-27. Review status: criteria provided, single submitter. Criteria: Ambry Variant Classification Scheme 2023. Collection method: clinical testing. Allele origin: germline.

Labcorp Genetics (formerly Invitae), Labcorp
Classification: Uncertain significance. Last evaluated: 2023-08-09. Review status: criteria provided, single submitter. Criteria: Invitae Variant Classification Sherloc (09022015). Collection method: clinical testing. Allele origin: germline.
Comment: In summary, the available evidence is currently insufficient to determine the role of this variant in disease. Therefore, it has been classified as a Variant of Uncertain Significance. This sequence change replaces arginine, which is basic and polar, with histidine, which is basic and polar, at codon 316 of the ELP4 protein (p.Arg316His). This variant is present in population databases (rs749842817, gnomAD 0.01%). This variant has not been reported in the literature in individuals affected with ELP4-related conditions. Algorithms developed to predict the effect of missense changes on protein structure and function output the following: SIFT: "Not Available"; PolyPhen-2: "Benign"; Align-GVGD: "Not Available". The histidine amino acid residue is found in multiple mammalian species, which suggests that this missense change does not adversely affect protein function.

NM_019040.5(ELP4):c.947G>A (p.Arg316His)

Genes: PAX6DRR (PAX6 downstream regulatory region; plus strand), ELP4 (elongator acetyltransferase complex subunit 4; plus strand). Cytogenetic location: 11p13.
Variant type: single nucleotide variant.
Coding change: c.947G>A on transcript NM_019040.5 (MANE Select); coding-DNA position 947, G replaced by A.
Protein change: p.Arg316His; replaces arginine 316 with histidine.
Molecular consequence: missense variant.
Genome position (GRCh38, 1-based): chr11:31,647,760, G>A. VCF-style: chr11-31647760-G-A. GRCh37 (hg19) VCF-style: chr11-31669308-G-A.
Other names: c.950G>A, p.Arg317His (NM_001288725.2); c.947G>A, p.Arg316His (NM_001288726.2); c.947G>A (NM_019040.3); short protein forms R316H, R317H.
Identifiers: ClinVar variation 2741494 (VCV002741494.4), dbSNP rs749842817, ClinGen allele CA5933435.
Genomic context (GRCh38, chr11:31,647,760, plus strand): 5'-CATAATATTTAACGTTACTGTTTTGTTTCCATGTTTTGCAGAATAAAGCCATTATTGCCC[G>A]TGTCACAACCTTGTCAGATGTAGTAGTTGGTCTGGAATCATTTATTGGTTCTGAGAGAGA-3'
Protein context (NP_061913.3, residues 306-326): HLIQNKAIIA[Arg316His]VTTLSDVVVG